The following is an entry in ClinVar:

ClinVar aggregate classification (germline): Pathogenic. Review status: criteria provided, multiple submitters, no conflicts (2 of 4 stars). 2 submissions from 2 submitters: Pathogenic (2). Last evaluated 2023-10-07.

Conditions:
Hereditary breast ovarian cancer syndrome. Also called: Breast and ovarian cancer; BRCA1- and BRCA2-Associated Hereditary Breast and Ovarian Cancer; Hereditary breast and ovarian cancer; Hereditary breast and ovarian cancer syndrome (HBOC); Hereditary breast and ovarian cancer syndrome; Hereditary breast and/or ovarian cancer syndrome. Identifiers: Orphanet 145, MedGen C0677776, MeSH D061325, MONDO:0003582. Disease mechanism: loss of function.
Hereditary cancer-predisposing syndrome. Also called: Neoplastic Syndromes, Hereditary; Tumor predisposition; Hereditary Cancer Syndrome; Hereditary neoplastic syndrome. Identifiers: Orphanet 140162, MedGen C0027672, MeSH D009386, MONDO:0015356.

Submissions (2):

Ambry Genetics
Classification: Pathogenic for Hereditary cancer-predisposing syndrome. Last evaluated: 2023-10-07. Review status: criteria provided, single submitter. Criteria: Ambry Variant Classification Scheme 2023. Collection method: clinical testing. Allele origin: germline.
Comment: The c.8857_8863delGAATCTG pathogenic mutation, located in coding exon 21 of the BRCA2 gene, results from a deletion of 7 nucleotides at nucleotide positions 8857 to 8863, causing a translational frameshift with a predicted alternate stop codon (p.E2953Lfs*21). This variant is considered to be rare based on population cohorts in the Genome Aggregation Database (gnomAD). This alteration is expected to result in loss of function by premature protein truncation or nonsense-mediated mRNA decay. As such, this alteration is interpreted as a disease-causing mutation.

Labcorp Genetics (formerly Invitae), Labcorp
Classification: Pathogenic for Hereditary breast ovarian cancer syndrome. Last evaluated: 2022-08-05. Review status: criteria provided, single submitter. Criteria: Invitae Variant Classification Sherloc (09022015). Collection method: clinical testing. Allele origin: germline.
Comment: For these reasons, this variant has been classified as Pathogenic. This variant has not been reported in the literature in individuals affected with BRCA2-related conditions. This variant is not present in population databases (gnomAD no frequency). This sequence change creates a premature translational stop signal (p.Glu2953Leufs*21) in the BRCA2 gene. It is expected to result in an absent or disrupted protein product. Loss-of-function variants in BRCA2 are known to be pathogenic (PMID: 20104584).

Literature cited by the submitters: PubMed 20104584 (cited by Labcorp Genetics (formerly Invitae), Labcorp).

NM_000059.4(BRCA2):c.8857_8863del (p.Glu2953fs)

Gene: BRCA2 (BRCA2 DNA repair associated; plus strand). Cytogenetic location: 13q13.1.
Variant type: Deletion.
Coding change: c.8857_8863del on transcript NM_000059.4 (MANE Select); coding-DNA positions 8857 to 8863, 7 bases deleted (GAATCTG; older notation c.8857_8863delGAATCTG).
Protein change: p.Glu2953fs; shifts the reading frame from glutamic acid 2953.
Molecular consequence: frameshift variant.
Genome position (GRCh38, 1-based): chr13:32,379,419-32,379,425, GAATCTG deleted; deleting any 7 consecutive bases within chr13:32,379,417-32,379,425 gives the same sequence; the c. name uses the placement nearest the transcript's 3' end. VCF-style (leftmost placement, unchanged base first): chr13-32379416-ATGGAATC-A. GRCh37 (hg19) VCF-style: chr13-32953553-ATGGAATC-A.
Other names: c.8761_8767delGAATCTG, p.Glu2921Leufs (NM_001406719.1); c.8857_8863delGAATCTG, p.Glu2953Leufs (NM_001406720.1); c.3925_3931delGAATCTG, p.Glu1309Leufs (NM_001406721.1); c.2440_2446delGAATCTG, p.Glu814Leufs (NM_001406722.1); short protein forms E2953fs.
Identifiers: ClinVar variation 2021718 (VCV002021718.5), dbSNP rs2548555143, ClinGen allele CA2580087464.